The following is an entry in ClinVar:

NM_001278064.2(GRM1):c.2238C>A (p.Cys746Ter)

Gene: GRM1 (glutamate metabotropic receptor 1; plus strand). Cytogenetic location: 6q24.3.
Variant type: single nucleotide variant.
Coding change: c.2238C>A on transcript NM_001278064.2 (MANE Select); coding-DNA position 2238, C replaced by A.
Protein change: p.Cys746Ter; replaces cysteine 746 with a stop codon.
Molecular consequence: nonsense.
Genome position (GRCh38, 1-based): chr6:146,399,277, C>A. VCF-style: chr6-146399277-C-A. GRCh37 (hg19) VCF-style: chr6-146720413-C-A.
Other names: c.2238C>A, p.Cys746Ter (NM_001278065.2, NM_001278066.1, NM_001278067.1); short protein forms C746*.
Identifiers: ClinVar variation 4532016 (VCV004532016.1).

ClinVar aggregate classification (germline): Pathogenic (1 of 4 stars; one submission).

Conditions:
Autosomal recessive spinocerebellar ataxia 13. Identifiers: Orphanet 324262, MedGen C3553816, MONDO:0013905, OMIM 614831.

Submission:

Victorian Clinical Genetics Services, Murdoch Childrens Research Institute
Classification: Pathogenic for Autosomal recessive spinocerebellar ataxia 13. Last evaluated: 2025-10-22. Review status: criteria provided, single submitter. Criteria: ACMG Guidelines, 2015. Collection method: clinical testing. Allele origin: germline. Affected: yes.
Comment: This variant is classified as Pathogenic. Evidence in support of pathogenic classification: Variant is predicted to cause nonsense-mediated decay (NMD) and loss of protein (premature termination codon is located at least 54 nucleotides upstream of the final exon-exon junction); Variant is absent from gnomAD (v2, v3 and v4); Other NMD-predicted variant(s) comparable to the one identified in this case have strong previous evidence for pathogenicity (DECIPHER). Additional information: This variant is heterozygous; This gene is associated with both recessive and dominant disease, spinocerebellar ataxia 13 (SCAR13; MIM#614831) and spinocerebellar ataxia 44 (SCA44; MIM#617691), respectively; This variant has no previous evidence of pathogenicity; No published evidence of segregation with disease has been identified for this variant; No published functional evidence has been identified for this variant; Loss of function and gain of function are known mechanisms of disease in this gene and are associated with SCAR13 and SCA44, respectively (PMIDs: 26308914, 31319223, 28886343). Dominant negative has been suggested for a NMD-escape protein truncating variant in association with a juvenile-onset SCA44 (PMID: 28886343).

Literature cited by the submitters: PubMed 28886343; PubMed 31319223; PubMed 26308914.